The following is an entry in ClinVar:

NM_032387.5(WNK4):c.1925A>G (p.Tyr642Cys)

Gene: WNK4 (WNK lysine deficient protein kinase 4; plus strand). Cytogenetic location: 17q21.2.
Variant type: single nucleotide variant.
Coding change: c.1925A>G on transcript NM_032387.5 (MANE Select); coding-DNA position 1925, A replaced by G.
Protein change: p.Tyr642Cys; replaces tyrosine 642 with cysteine.
Molecular consequence: missense variant.
Genome position (GRCh38, 1-based): chr17:42,788,292, A>G. VCF-style: chr17-42788292-A-G. GRCh37 (hg19) VCF-style: chr17-40940310-A-G.
Other names: c.917A>G, p.Tyr306Cys (NM_001321299.2); short protein forms Y306C, Y642C.
Identifiers: ClinVar variation 4847202 (VCV004847202.1).
Genomic context (GRCh38, chr17:42,788,292, plus strand): 5'-GGCACTGGGGTCCCAGTGTCTGCTCTGACAGTCATTCTCTCTCCTTTCTCTTTAACAGCT[A>G]TGCCTCAGATGCAGCTTCAGGCCTTAGCGATGTGGGAGAAGGGATGGGACAAATGAGGAG-3'
Protein context (NP_115763.2, residues 632-652): PGSDFSPGDS[Tyr642Cys]ASDAASGLSD

ClinVar aggregate classification (germline): Uncertain significance (1 of 4 stars; one submission).

Submission:

Women's Health and Genetics/Laboratory Corporation of America, LabCorp
Classification: Uncertain significance. Last evaluated: 2026-03-16. Review status: criteria provided, single submitter. Criteria: LabCorp Variant Classification Summary - May 2015. Collection method: clinical testing. Allele origin: germline.
Comment: Variant summary: WNK4 c.1925A>G (p.Tyr642Cys) results in a non-conservative amino acid change in the encoded protein sequence. Algorithms developed to predict the effect of missense changes on protein structure and function are either unavailable or do not agree on the potential impact of this missense change. Consensus agreement among computation tools predict no significant impact on normal splicing. However, these predictions have yet to be confirmed by functional studies. The variant was absent in 251462 control chromosomes. The available data on variant occurrences in the general population are insufficient to allow any conclusion about variant significance. To our knowledge, no occurrence of c.1925A>G in individuals affected with WNK4-related conditions and no experimental evidence demonstrating its impact on protein function have been reported. No submitters have cited clinical-significance assessments for this variant to ClinVar. Based on the evidence outlined above, the variant was classified as uncertain significance.